The following is an entry in ClinVar:

ClinVar aggregate classification (germline): Uncertain significance (1 of 4 stars; one submission).

Conditions:
Primary ciliary dyskinesia. Also called: Ciliary dyskinesia. Identifiers: Orphanet 244, MedGen C0008780, MONDO:0016575, HP:0012265.

gnomAD v4.1: 3 of 1,609,084 alleles (0.00019%); highest among the groups gnomAD compares: Admixed American, 0.0034%; no homozygotes.

Submission:

Labcorp Genetics (formerly Invitae), Labcorp
Classification: Uncertain significance for Primary ciliary dyskinesia. Last evaluated: 2025-11-25. Review status: criteria provided, single submitter. Criteria: Invitae Variant Classification Sherloc (09022015). Collection method: clinical testing. Allele origin: germline.
Comment: This sequence change replaces isoleucine, which is neutral and non-polar, with leucine, which is neutral and non-polar, at codon 2918 of the DNAH8 protein (p.Ile2918Leu). This variant is present in population databases (rs148193715, gnomAD 0.006%). This variant has not been reported in the literature in individuals affected with DNAH8-related conditions. Invitae Evidence Modeling of protein sequence and biophysical properties (such as structural, functional, and spatial information, amino acid conservation, physicochemical variation, residue mobility, and thermodynamic stability) indicates that this missense variant is not expected to disrupt DNAH8 protein function with a negative predictive value of 80%. In summary, the available evidence is currently insufficient to determine the role of this variant in disease. Therefore, it has been classified as a Variant of Uncertain Significance.

NM_001206927.2(DNAH8):c.8752A>T (p.Ile2918Leu)

Gene: DNAH8 (dynein axonemal heavy chain 8; plus strand). Cytogenetic location: 6p21.2.
Variant type: single nucleotide variant.
Coding change: c.8752A>T on transcript NM_001206927.2 (MANE Select); coding-DNA position 8752, A replaced by T.
Protein change: p.Ile2918Leu; replaces isoleucine 2918 with leucine.
Molecular consequence: missense variant.
Genome position (GRCh38, 1-based): chr6:38,896,037, A>T. VCF-style: chr6-38896037-A-T. GRCh37 (hg19) VCF-style: chr6-38863813-A-T.
Other names: c.8101A>T, p.Ile2701Leu (NM_001371.4); short protein forms I2701L, I2918L.
Identifiers: ClinVar variation 4751930 (VCV004751930.1).
Genomic context (GRCh38, chr6:38,896,037, plus strand): 5'-CAGTTAGAAAAGATGCTTTCATATTTAACATTCTTACTACTACATTTTCCTTTCAGATTT[A>T]TAACTCCTGAAGATGAGCAGTGGTTTAATGCACATCTTACTCGTGCAGTTGAAGAAAATA-3'
Protein context (NP_001193856.1, residues 2908-2928): ECSRVIADRF[Ile2918Leu]TPEDEQWFNA